The following is an entry in ClinVar:

ClinVar aggregate classification (germline): Uncertain significance (1 of 4 stars; one submission).

Conditions:
Developmental and epileptic encephalopathy, 9 (DEE9). Also called: JUBERG-HELLMAN SYNDROME; Early infantile epileptic encephalopathy 9; EPILEPSY, FEMALE-RESTRICTED, WITH MENTAL RETARDATION; PCDH19-Related X-Linked Female-Limited Epilepsy with Mental Retardation. Identifiers: Orphanet 101039, Orphanet 2076, MedGen C1848137, MONDO:0010246, OMIM 300088. Disease mechanism: loss of function.

Submission:

Labcorp Genetics (formerly Invitae), Labcorp
Classification: Uncertain significance for Developmental and epileptic encephalopathy, 9. Last evaluated: 2022-12-01. Review status: criteria provided, single submitter. Criteria: Invitae Variant Classification Sherloc (09022015). Collection method: clinical testing. Allele origin: germline.
Comment: In summary, the available evidence is currently insufficient to determine the role of this variant in disease. Therefore, it has been classified as a Variant of Uncertain Significance. Algorithms developed to predict the effect of missense changes on protein structure and function (SIFT, PolyPhen-2, Align-GVGD) all suggest that this variant is likely to be disruptive. This variant has not been reported in the literature in individuals affected with PCDH19-related conditions. This variant is not present in population databases (gnomAD no frequency). This sequence change replaces leucine, which is neutral and non-polar, with proline, which is neutral and non-polar, at codon 534 of the PCDH19 protein (p.Leu534Pro).

NM_001184880.2(PCDH19):c.1601T>C (p.Leu534Pro)

Gene: PCDH19 (protocadherin 19; minus strand). Cytogenetic location: Xq22.1.
Variant type: single nucleotide variant.
Coding change: c.1601T>C on transcript NM_001184880.2 (MANE Select); coding-DNA position 1601, T replaced by C.
Protein change: p.Leu534Pro; replaces leucine 534 with proline.
Molecular consequence: missense variant.
Genome position (GRCh38, 1-based): chrX:100,406,997, A>G on the plus strand (T>C on the coding strand, the complement: PCDH19 is on the minus strand). VCF-style: chrX-100406997-A-G. GRCh37 (hg19) VCF-style: chrX-99661995-A-G.
Other names: c.1601T>C, p.Leu534Pro (NM_001105243.2, NM_020766.3); short protein forms L534P.
Identifiers: ClinVar variation 2102799 (VCV002102799.4), dbSNP rs2520980548, ClinGen allele CA414002362.